The following is an entry in ClinVar:

NM_000051.4(ATM):c.6037G>A (p.Gly2013Arg)

Genes: ATM (ATM serine/threonine kinase; plus strand), C11orf65 (chromosome 11 open reading frame 65; minus strand). Cytogenetic location: 11q22.3.
Variant type: single nucleotide variant.
Coding change: c.6037G>A on transcript NM_000051.4 (MANE Select); coding-DNA position 6037, G replaced by A.
Protein change: p.Gly2013Arg; replaces glycine 2013 with arginine.
Molecular consequence: missense variant. On other transcripts: intron variant (2).
Genome position (GRCh38, 1-based): chr11:108,315,853, G>A. VCF-style: chr11-108315853-G-A. GRCh37 (hg19) VCF-style: chr11-108186580-G-A.
Other names: c.6037G>A, p.Gly2013Arg (NM_001351834.2); c.641-6782C>T (NM_001330368.2); c.*39-6782C>T (NM_001351110.2); short protein forms G2013R.
Identifiers: ClinVar variation 944000 (VCV000944000.12), dbSNP rs2084587881, ClinGen allele CA382549906.

ClinVar aggregate classification (germline): Uncertain significance. Review status: criteria provided, multiple submitters, no conflicts (2 of 4 stars). 2 submissions from 2 submitters: Uncertain significance (2). Last evaluated 2022-11-28.

Conditions:
Hereditary cancer-predisposing syndrome. Also called: Tumor predisposition; Neoplastic Syndromes, Hereditary; Hereditary neoplastic syndrome; Hereditary Cancer Syndrome. Identifiers: Orphanet 140162, MedGen C0027672, MeSH D009386, MONDO:0015356.
Ataxia-telangiectasia syndrome (AT). Also called: Ataxia-telangiectasia, complementation group D; AT, COMPLEMENTATION GROUP C; ATAXIA-TELANGIECTASIA, COMPLEMENTATION GROUP A; ATAXIA-TELANGIECTASIA, FRESNO VARIANT; Ataxia-telangiectasia; Ataxia telangiectasia (A-T). Identifiers: Orphanet 100, MedGen C0004135, MONDO:0008840, OMIM 208900.

Submissions (2):

Labcorp Genetics (formerly Invitae), Labcorp
Classification: Uncertain significance for Ataxia-telangiectasia syndrome. Last evaluated: 2022-11-28. Review status: criteria provided, single submitter. Criteria: Invitae Variant Classification Sherloc (09022015). Collection method: clinical testing. Allele origin: germline.
Comment: This sequence change replaces glycine, which is neutral and non-polar, with arginine, which is basic and polar, at codon 2013 of the ATM protein (p.Gly2013Arg). This variant is not present in population databases (gnomAD no frequency). This variant has not been reported in the literature in individuals affected with ATM-related conditions. ClinVar contains an entry for this variant (Variation ID: 944000). Algorithms developed to predict the effect of missense changes on protein structure and function (SIFT, PolyPhen-2, Align-GVGD) all suggest that this variant is likely to be disruptive. In summary, the available evidence is currently insufficient to determine the role of this variant in disease. Therefore, it has been classified as a Variant of Uncertain Significance.

Ambry Genetics
Classification: Uncertain significance for Hereditary cancer-predisposing syndrome. Last evaluated: 2022-05-21. Review status: criteria provided, single submitter. Criteria: Ambry Variant Classification Scheme 2023. Collection method: clinical testing. Allele origin: germline.
Comment: The p.G2013R variant (also known as c.6037G>A), located in coding exon 40 of the ATM gene, results from a G to A substitution at nucleotide position 6037. The glycine at codon 2013 is replaced by arginine, an amino acid with dissimilar properties. This amino acid position is conserved. In addition, the in silico prediction for this alteration is inconclusive. Since supporting evidence is limited at this time, the clinical significance of this alteration remains unclear.